The following is an entry in ClinVar:

NM_001367721.1(CASK):c.1077G>A (p.Ala359=)

Gene: CASK (calcium/calmodulin dependent serine protein kinase; minus strand). Cytogenetic location: Xp11.4.
Variant type: single nucleotide variant.
Coding change: c.1077G>A on transcript NM_001367721.1 (MANE Select); coding-DNA position 1077, G replaced by A.
Protein change: p.Ala359=; no amino-acid change (alanine 359 retained).
Molecular consequence: synonymous variant.
Genome position (GRCh38, 1-based): chrX:41,609,982, C>T on the plus strand (G>A on the coding strand, the complement: CASK is on the minus strand). VCF-style: chrX-41609982-C-T. GRCh37 (hg19) VCF-style: chrX-41469235-C-T.
Other names: c.1077G>A, p.Ala359= (NM_001126054.3, NM_003688.4); c.1059G>A, p.Ala353= (NM_001126055.3, NM_001410745.1).
Identifiers: ClinVar variation 194051 (VCV000194051.69), dbSNP rs145641295, ClinGen allele CA200939.
Genomic context (GRCh38, chrX:41,609,982, plus strand): 5'-ATGCTGATCCTGGAAAACACTGTGTAGAAAATCTAGGTCCTTTTCACTGCAGTCTGTAAG[C>T]GCATGAATCTCTTCCAGGCTGTCCAGCACCTGTGAGACTGCTCCTAAGGGGGACAAACAG-3'
Protein context (NP_001354650.1, residues 349-369): QVLDSLEEIH[Ala359=]LTDCSEKDLD

ClinVar aggregate classification (germline): Conflicting classifications of pathogenicity. Review status: criteria provided, conflicting classifications (1 of 4 stars). 9 submissions from 9 submitters: Uncertain significance (1); Benign (5); Likely benign (2). 1 of the submissions does not count toward it. Last evaluated 2026-01-28.

Conditions:
CASK-related disorder. Also called: CASK-related disorders; CASK-related condition.
Inborn genetic diseases. Identifiers: MedGen C0950123, MeSH D030342.
Intellectual disability, CASK-related, X-linked. Identifiers: MedGen CN043158.

Allele frequency attached by ClinVar (database versions not stated): 1000 Genomes Project 0.00026; 1000 Genomes Project 30x 0.00042; gnomAD 0.00084 and 0.00088; TOPMed 0.00090; gnomAD exomes 0.00096 and 0.00129; ExAC 0.00115; ESP Exome Variant Server 0.00161.
gnomAD v4.1: 1,521 of 1,207,236 alleles (0.13%); highest among the groups gnomAD compares: Non-Finnish European, 0.16%; no homozygotes.

Submissions (9):

Labcorp Genetics (formerly Invitae), Labcorp
Classification: Benign for Intellectual disability, CASK-related, X-linked. Last evaluated: 2026-01-28. Review status: criteria provided, single submitter. Criteria: Invitae Variant Classification Sherloc (09022015). Collection method: clinical testing. Allele origin: germline.

Blueprint Genetics
Classification: Likely benign. Last evaluated: 2024-10-28. Review status: criteria provided, single submitter. Criteria: ACMG Guidelines, 2015. Collection method: clinical testing. Allele origin: germline.

ARUP Laboratories, Molecular Genetics and Genomics, ARUP Laboratories
Classification: Benign. Last evaluated: 2024-03-25. Review status: criteria provided, single submitter. Criteria: ARUP Molecular Germline Variant Investigation Process 2024. Collection method: clinical testing. Allele origin: germline.

GeneDx
Classification: Benign. Last evaluated: 2019-01-29. Review status: criteria provided, single submitter. Criteria: GeneDx Variant Classification Process June 2021. Collection method: clinical testing. Allele origin: germline. Affected: yes.

Ambry Genetics
Classification: Benign for Inborn genetic diseases. Last evaluated: 2017-02-15. Review status: criteria provided, single submitter. Criteria: Ambry Variant Classification Scheme 2023. Collection method: clinical testing. Allele origin: germline.

CeGaT Center for Human Genetics Tuebingen
Classification: Uncertain significance. Last evaluated: 2016-06-01. Review status: criteria provided, single submitter. Criteria: CeGaT Center For Human Genetics Tuebingen Variant Classification Criteria Version 2. Collection method: clinical testing. Allele origin: germline. Affected: yes. Observed: 1 variant allele.

Genetic Services Laboratory, University of Chicago
Classification: Likely benign. Last evaluated: 2015-05-22. Review status: criteria provided, single submitter. Criteria: ACMG Guidelines, 2015. Collection method: clinical testing. Allele origin: germline.

Eurofins Ntd Llc (ga)
Classification: Benign. Last evaluated: 2015-04-08. Review status: criteria provided, single submitter. Criteria: EGL Classification Definitions 2015. Collection method: clinical testing. Allele origin: germline. Observed: 1 variant allele, 1 heterozygote.

PreventionGenetics, part of Exact Sciences
Classification: Likely benign for CASK-related condition. Last evaluated: 2019-09-11. Review status: no assertion criteria provided. Collection method: clinical testing. Allele origin: germline. Not counted in ClinVar's aggregate classification.
Comment: This variant is classified as likely benign based on ACMG/AMP sequence variant interpretation guidelines (Richards et al. 2015 PMID: 25741868, with internal and published modifications).